The following is an entry in ClinVar:

NM_000124.4(ERCC6):c.39_49delinsA (p.Glu14fs)

Gene: ERCC6 (ERCC excision repair 6, chromatin remodeling factor; minus strand). Cytogenetic location: 10q11.23.
Variant type: Indel.
Coding change: c.39_49delinsA on transcript NM_000124.4 (MANE Select); coding-DNA positions 39 to 49, GGAGCAAGACT replaced by A.
Protein change: p.Glu14fs; shifts the reading frame from glutamic acid 14.
Molecular consequence: frameshift variant.
Genome position (GRCh38, 1-based): chr10:49,532,916-49,532,926, AGTCTTGCTCC replaced by T on the plus strand (GGAGCAAGACT replaced by A on the coding strand, the reverse complement: ERCC6 is on the minus strand). VCF-style: chr10-49532916-AGTCTTGCTCC-T. GRCh37 (hg19) VCF-style: chr10-50740962-AGTCTTGCTCC-T.
Other names: c.39_49delinsA, p.Glu14fs (NM_001277058.2, NM_001277059.2, NM_001346440.2); short protein forms E14fs.
Identifiers: ClinVar variation 1322833 (VCV001322833.5), dbSNP rs2132639937, ClinGen allele CA2573053276.

ClinVar aggregate classification (germline): Pathogenic/Likely pathogenic. Review status: criteria provided, multiple submitters, no conflicts (2 of 4 stars). 2 submissions from 2 submitters: Pathogenic (1); Likely pathogenic (1). Last evaluated 2023-03-16.

Conditions:
Cockayne syndrome. Identifiers: Orphanet 191, MedGen C0009207, MONDO:0016006.

Submissions (2):

Women's Health and Genetics/Laboratory Corporation of America, LabCorp
Classification: Likely pathogenic for Cockayne syndrome. Last evaluated: 2023-03-16. Review status: criteria provided, single submitter. Criteria: LabCorp Variant Classification Summary - May 2015. Collection method: clinical testing. Allele origin: germline.
Comment: Variant summary: ERCC6 c.39_49delinsA (p.Glu14ValfsX67) results in a premature termination codon located in exon 2 (whichis the first coding exon), and is predicted to cause a truncation of the encoded protein or absence of the protein due to nonsense mediated decay, which are commonly known mechanisms for disease. The next potential downstream in-frame ATG start sites are located in exon 2 at M85, which is not a start codon in any different transcripts. Truncations downstream of our variant, but upstream from M85 have been reported in affected individuals (HGMD). The variant was absent in 282878 control chromosomes (gnomAD). To our knowledge, no occurrence of c.39_49delinsA in individuals affected with Cockayne Syndrome and no experimental evidence demonstrating its impact on protein function have been reported. One clinical diagnostic laboratory has submitted clinical-significance assessments for this variant to ClinVar after 2014 without evidence for independent evaluation, and classified the variant as pathogenic. Based on the evidence outlined above, the variant was classified as likely pathogenic.

Revvity Omics, Revvity
Classification: Pathogenic. Last evaluated: 2020-07-19. Review status: criteria provided, single submitter. Criteria: ACMG Guidelines, 2015. Collection method: clinical testing. Allele origin: germline.